The following is an entry in ClinVar:

NM_144573.4(NEXN):c.865-5G>A

Gene: NEXN (nexilin F-actin binding protein; plus strand). Cytogenetic location: 1p31.1.
Variant type: single nucleotide variant.
Coding change: c.865-5G>A on transcript NM_144573.4 (MANE Select); 5 bases into the intron before coding-DNA position 865, G replaced by A.
Molecular consequence: intron variant.
Genome position (GRCh38, 1-based): chr1:77,929,311, G>A. VCF-style: chr1-77929311-G-A. GRCh37 (hg19) VCF-style: chr1-78394996-G-A.
Other names: c.673-5G>A (NM_001172309.2).
Identifiers: ClinVar variation 180108 (VCV000180108.18), dbSNP rs727505353, ClinGen allele CA185831.

ClinVar aggregate classification (germline): Conflicting classifications of pathogenicity. Review status: criteria provided, conflicting classifications (1 of 4 stars). 6 submissions from 6 submitters: Uncertain significance (1); Likely benign (5). Last evaluated 2026-01-25.

Conditions:
NEXN-related disorder. Also called: NEXN-related disorders; NEXN-related condition.
Cardiovascular phenotype. Identifiers: MedGen CN230736.
Dilated cardiomyopathy 1CC (CMD1CC). Identifiers: Orphanet 154, MedGen C2751084, MONDO:0013147, OMIM 613122.
Hypertrophic cardiomyopathy 20. Identifiers: MedGen C3151267, MONDO:0013477, OMIM 613876.

Allele frequency attached by ClinVar (database versions not stated): gnomAD exomes 0.00004 and 0.00010; gnomAD 0.00005; TOPMed 0.00007; ExAC 0.00009.
gnomAD v4.1: 66 of 1,579,658 alleles (0.0042%); highest among the groups gnomAD compares: Middle Eastern, 0.1%; no homozygotes.

Submissions (6):

Labcorp Genetics (formerly Invitae), Labcorp
Classification: Likely benign for Dilated cardiomyopathy 1CC; Hypertrophic cardiomyopathy 20. Last evaluated: 2026-01-25. Review status: criteria provided, single submitter. Criteria: Invitae Variant Classification Sherloc (09022015). Collection method: clinical testing. Allele origin: germline.

PreventionGenetics, part of Exact Sciences
Classification: Likely benign for NEXN-related condition. Last evaluated: 2025-05-02. Review status: criteria provided, single submitter. Criteria: ACMG Guidelines, 2015. Collection method: clinical testing. Allele origin: germline.
Comment: This variant is classified as likely benign based on ACMG/AMP sequence variant interpretation guidelines (Richards et al. 2015 PMID: 25741868, with internal and published modifications).

Blueprint Genetics
Classification: Likely benign. Last evaluated: 2024-10-24. Review status: criteria provided, single submitter. Criteria: ACMG Guidelines, 2015. Collection method: clinical testing. Allele origin: germline.

Ambry Genetics
Classification: Likely benign for Cardiovascular phenotype. Last evaluated: 2021-09-14. Review status: criteria provided, single submitter. Criteria: Ambry Variant Classification Scheme 2023. Collection method: clinical testing. Allele origin: germline.

GeneDx
Classification: Likely benign. Last evaluated: 2020-11-23. Review status: criteria provided, single submitter. Criteria: GeneDx Variant Classification Process June 2021. Collection method: clinical testing. Allele origin: germline. Affected: yes.

Laboratory for Molecular Medicine, Mass General Brigham Personalized Medicine
Classification: Uncertain significance. Last evaluated: 2016-04-26. Review status: criteria provided, single submitter. Criteria: LMM Criteria. Collection method: clinical testing. Allele origin: germline. Observed: 2 variant alleles.
Comment: proposed classification - variant undergoing re-assessment, contact laboratory